The following is an entry in ClinVar:

NM_000143.4(FH):c.262A>C (p.Met88Leu)

Gene: FH (fumarate hydratase; minus strand). Cytogenetic location: 1q43.
Variant type: single nucleotide variant.
Coding change: c.262A>C on transcript NM_000143.4 (MANE Select); coding-DNA position 262, A replaced by C.
Protein change: p.Met88Leu; replaces methionine 88 with leucine.
Molecular consequence: missense variant.
Genome position (GRCh38, 1-based): chr1:241,517,187, T>G on the plus strand (A>C on the coding strand, the complement: FH is on the minus strand). VCF-style: chr1-241517187-T-G. GRCh37 (hg19) VCF-style: chr1-241680487-T-G.
Other names: short protein forms M88L.
Identifiers: ClinVar variation 959704 (VCV000959704.10), dbSNP rs1660240175, ClinGen allele CA345441633.

ClinVar aggregate classification (germline): Uncertain significance (1 of 4 stars; one submission).

Submission:

Labcorp Genetics (formerly Invitae), Labcorp
Classification: Uncertain significance. Last evaluated: 2022-01-12. Review status: criteria provided, single submitter. Criteria: Invitae Variant Classification Sherloc (09022015). Collection method: clinical testing. Allele origin: germline.
Comment: In summary, the available evidence is currently insufficient to determine the role of this variant in disease. Therefore, it has been classified as a Variant of Uncertain Significance. Advanced modeling of protein sequence and biophysical properties (such as structural, functional, and spatial information, amino acid conservation, physicochemical variation, residue mobility, and thermodynamic stability) performed at Invitae indicates that this missense variant is expected to disrupt FH protein function. ClinVar contains an entry for this variant (Variation ID: 959704). This variant has not been reported in the literature in individuals affected with FH-related conditions. This variant is not present in population databases (gnomAD no frequency). This sequence change replaces methionine, which is neutral and non-polar, with leucine, which is neutral and non-polar, at codon 88 of the FH protein (p.Met88Leu).